The following is an entry in ClinVar:

ClinVar aggregate classification (germline): Benign/Likely benign. Review status: criteria provided, multiple submitters, no conflicts (2 of 4 stars). 12 submissions from 12 submitters: Benign (7); Likely benign (1). 4 of the submissions do not count toward it. Last evaluated 2026-02-04.

Conditions:
Xeroderma pigmentosum, group G (XPG). Also called: Xeroderma pigmentosum type 7; XERODERMA PIGMENTOSUM VII; XP, GROUP G; ERCC5-Related Xeroderma Pigmentosum. Identifiers: MedGen C0268141, MONDO:0010216, OMIM 278780.

Allele frequency attached by ClinVar (database versions not stated): TOPMed 0.03954; gnomAD exomes 0.03967 and 0.04260; 1000 Genomes Project 0.04233; 1000 Genomes Project 30x 0.04294; ESP Exome Variant Server 0.04321; gnomAD 0.04366 and 0.04381; ExAC 0.04414.
gnomAD v4.1: 64,789 of 1,614,202 alleles (4%); highest among the groups gnomAD compares: Middle Eastern, 7%; 1,412 homozygotes.

Submissions (12):

Labcorp Genetics (formerly Invitae), Labcorp
Classification: Benign. Last evaluated: 2026-02-04. Review status: criteria provided, single submitter. Criteria: Invitae Variant Classification Sherloc (09022015). Collection method: clinical testing. Allele origin: germline.

KCCC/NGS Laboratory, Kuwait Cancer Control Center
Classification: Benign for Xeroderma pigmentosum, group G. Last evaluated: 2025-02-01. Review status: criteria provided, single submitter. Criteria: ACMG Guidelines, 2015. Collection method: clinical testing. Allele origin: germline. Affected: no.

Blueprint Genetics
Classification: Likely benign. Last evaluated: 2024-11-27. Review status: criteria provided, single submitter. Criteria: ACMG Guidelines, 2015. Collection method: clinical testing. Allele origin: germline.

GeneDx
Classification: Benign. Last evaluated: 2018-11-11. Review status: criteria provided, single submitter. Criteria: GeneDx Variant Classification Process June 2021. Collection method: clinical testing. Allele origin: germline. Affected: yes.

Illumina Laboratory Services, Illumina
Classification: Benign for Xeroderma pigmentosum, group G. Last evaluated: 2018-01-12. Review status: criteria provided, single submitter. Criteria: ICSL Variant Classification Criteria 13 December 2019. Collection method: clinical testing. Allele origin: germline.
Comment: This variant was observed in the ICSL laboratory as part of a predisposition screen in an ostensibly healthy population. It had not been previously curated by ICSL or reported in the Human Gene Mutation Database (HGMD: prior to June 1st, 2018), and was therefore a candidate for classification through an automated scoring system. Utilizing variant allele frequency, disease prevalence and penetrance estimates, and inheritance mode, an automated score was calculated to assess if this variant is too frequent to cause the disease. Based on the score and internal cut-off values, a variant classified as benign is not then subjected to further curation. The score for this variant resulted in a classification of benign for this disease.

Clinical Genetics DNA and cytogenetics Diagnostics Lab, Erasmus MC, Erasmus Medical Center
Classification: Benign for Xeroderma pigmentosum, group G. Last evaluated: 2015-09-21. Review status: criteria provided, single submitter. Criteria: ACGS Guidelines, 2013. Collection method: clinical testing. Allele origin: germline. Affected: yes. Study: VKGL Data-share Consensus.

Breakthrough Genomics
Classification: Benign. Review status: criteria provided, single submitter. Criteria: ACMG Guidelines, 2015. Collection method: not provided. Allele origin: germline. Inheritance: Autosomal recessive inheritance. Affected: yes.

PreventionGenetics, part of Exact Sciences
Classification: Benign. Review status: criteria provided, single submitter. Criteria: ACMG Guidelines, 2015. Collection method: clinical testing. Allele origin: germline.

Genome Diagnostics Laboratory, Amsterdam University Medical Center
Classification: Benign for Xeroderma pigmentosum, group G. Last evaluated: 2016-01-22. Review status: no assertion criteria provided. Criteria: ACGS Guidelines, 2013. Collection method: clinical testing. Allele origin: germline. Affected: yes. Study: VKGL Data-share Consensus. Not counted in ClinVar's aggregate classification.

ITMI
No classification provided. Condition: AllHighlyPenetrant. Last evaluated: 2013-09-19. Review status: no classification provided. Collection method: reference population. Allele origin: germline. Not counted in ClinVar's aggregate classification.
Comment: Please see associated publication for description of ethnicities

Department of Pathology and Laboratory Medicine, Sinai Health System
Classification: Uncertain significance. Review status: no assertion criteria provided. Collection method: clinical testing. Allele origin: unknown. Affected: yes. Study: The Canadian Open Genetics Repository (COGR). Not counted in ClinVar's aggregate classification.

Genetic Services Laboratory, University of Chicago
Classification: Likely benign for AllHighlyPenetrant. Review status: no assertion criteria provided. Collection method: clinical testing. Allele origin: germline. Inheritance: Autosomal recessive inheritance. Not counted in ClinVar's aggregate classification.
Comment: Likely benign based on allele frequency in 1000 Genomes Project or ESP global frequency and its presence in a patient with a rare or unrelated disease phenotype. NOT Sanger confirmed.

Literature cited by the submitters: PubMed 24728327 (cited by ITMI).

NM_000123.4(ERCC5):c.1586G>C (p.Cys529Ser)

Genes: BIVM-ERCC5 (BIVM-ERCC5 readthrough; plus strand), ERCC5 (ERCC excision repair 5, endonuclease; plus strand). Cytogenetic location: 13q33.1.
Variant type: single nucleotide variant.
Coding change: c.1586G>C on transcript NM_000123.4 (MANE Select); coding-DNA position 1586, G replaced by C.
Protein change: p.Cys529Ser; replaces cysteine 529 with serine.
Molecular consequence: missense variant.
Genome position (GRCh38, 1-based): chr13:102,862,735, G>C. VCF-style: chr13-102862735-G-C. GRCh37 (hg19) VCF-style: chr13-103515085-G-C.
Other names: c.2948G>C, p.Cys983Ser (NM_001204425.2); c.2948G>C (NM_001204425.1); short protein forms C529S, C983S.
Identifiers: ClinVar variation 129010 (VCV000129010.24), dbSNP rs2227869, ClinGen allele CA152765.